The following is an entry in ClinVar:

NM_006384.4(CIB1):c.87-43_87-32del

Gene: CIB1 (calcium and integrin binding 1; minus strand). Cytogenetic location: 15q26.1.
Variant type: Deletion.
Coding change: c.87-43_87-32del on transcript NM_006384.4 (MANE Select); 43 bases into the intron before coding-DNA position 87 through 32 bases into the intron before coding-DNA position 87, 12 bases deleted (GACCGATCGCTG).
Molecular consequence: intron variant. On other transcripts: inframe indel (1).
Genome position (GRCh38, 1-based): chr15:90,232,359-90,232,370, CAGCGATCGGTC deleted on the plus strand (GACCGATCGCTG on the coding strand, the reverse complement: CIB1 is on the minus strand). VCF-style (leftmost placement, unchanged base first): chr15-90232358-TCAGCGATCGGTC-T. GRCh37 (hg19) VCF-style: chr15-90775590-TCAGCGATCGGTC-T.
Other names: c.164_175del, p.Arg55_Glu59delinsLys (NM_001277764.2).
Identifiers: ClinVar variation 4716428 (VCV004716428.1).

ClinVar aggregate classification (germline): Uncertain significance (1 of 4 stars; one submission).

Submission:

Labcorp Genetics (formerly Invitae), Labcorp
Classification: Uncertain significance. Last evaluated: 2025-03-31. Review status: criteria provided, single submitter. Criteria: Invitae Variant Classification Sherloc (09022015). Collection method: clinical testing. Allele origin: germline.
Comment: This variant, c.164_175del, is a complex sequence change that results in the deletion of 5 and insertion of 1 amino acid(s) in the CIB1 protein (p.Arg55_Glu59delinsLys). This variant is not present in population databases (gnomAD no frequency). This variant has not been reported in the literature in individuals affected with CIB1-related conditions. Experimental studies and prediction algorithms are not available or were not evaluated, and the functional significance of this variant is currently unknown. In summary, the available evidence is currently insufficient to determine the role of this variant in disease. Therefore, it has been classified as a Variant of Uncertain Significance.